The following is an entry in ClinVar:

ClinVar aggregate classification (germline): Likely benign. Review status: criteria provided, multiple submitters, no conflicts (2 of 4 stars). 2 submissions from 2 submitters: Likely benign (2). Last evaluated 2018-06-16.

Allele frequency attached by ClinVar (database versions not stated): ESP Exome Variant Server 0.00317; gnomAD 0.00413 and 0.00450; TOPMed 0.00459; 1000 Genomes Project 0.00499; 1000 Genomes Project 30x 0.00562.
gnomAD v4.1: 1,562 of 1,555,874 alleles (0.1%); highest among the groups gnomAD compares: African/African-American, 1.3%; 11 homozygotes.

Submissions (2):

GeneDx
Classification: Likely benign. Last evaluated: 2018-06-16. Review status: criteria provided, single submitter. Criteria: GeneDx Variant Classification (06012015). Collection method: clinical testing. Allele origin: germline. Affected: yes.
Comment: This variant is considered likely benign or benign based on one or more of the following criteria: it is a conservative change, it occurs at a poorly conserved position in the protein, it is predicted to be benign by multiple in silico algorithms, and/or has population frequency not consistent with disease.

Breakthrough Genomics
Classification: Likely benign. Review status: criteria provided, single submitter. Criteria: ACMG Guidelines, 2015. Collection method: not provided. Allele origin: germline. Inheritance: Autosomal recessive inheritance. Affected: yes.

NM_020631.6(PLEKHG5):c.1392+40G>C

Gene: PLEKHG5 (pleckstrin homology and RhoGEF domain containing G5; minus strand). Cytogenetic location: 1p36.31.
Variant type: single nucleotide variant.
Coding change: c.1392+40G>C on transcript NM_020631.6 (MANE Select); 40 bases into the intron after coding-DNA position 1392, G replaced by C.
Molecular consequence: intron variant.
Genome position (GRCh38, 1-based): chr1:6,470,950, C>G on the plus strand (G>C on the coding strand, the complement: PLEKHG5 is on the minus strand). VCF-style: chr1-6470950-C-G. GRCh37 (hg19) VCF-style: chr1-6531010-C-G.
Other names: c.1392+40G>C (NM_198681.4, NM_001265594.3, NM_001042664.2 and 1 more transcripts); c.1503+40G>C (NM_001042663.3, NM_001265592.2); c.1599+40G>C (NM_001265593.2).
Identifiers: ClinVar variation 676613 (VCV000676613.2), dbSNP rs181693536, ClinGen allele CA561535.